The following is an entry in ClinVar:

NM_152384.3(BBS5):c.386+1G>T

Gene: BBS5 (Bardet-Biedl syndrome 5; plus strand). Cytogenetic location: 2q31.1.
Variant type: single nucleotide variant.
Coding change: c.386+1G>T on transcript NM_152384.3 (MANE Select); the canonical splice donor site of the intron after coding-DNA position 386, G replaced by T.
Molecular consequence: splice donor variant.
Genome position (GRCh38, 1-based): chr2:169,488,115, G>T. VCF-style: chr2-169488115-G-T. GRCh37 (hg19) VCF-style: chr2-170344625-G-T.
Identifiers: ClinVar variation 635028 (VCV000635028.1), dbSNP rs1559122277, ClinGen allele CA349163376.
Genomic context (GRCh38, chr2:169,488,115, plus strand): 5'-ATTTACAAATTTGGTTCCTGGAAGCCCTAGACTTTTTACTTCTGTGATGGCAGTACACAG[G>T]TATAGTAATACTTTATGGATTATTGAATATTTTTTGTTTACTCTATGGTTTTAGACTGCA-3'

ClinVar aggregate classification (germline): Likely pathogenic (1 of 4 stars; one submission).

Conditions:
Bardet-Biedl syndrome 5 (BBS5). Identifiers: Orphanet 110, MedGen C3892039, MONDO:0014434, OMIM 615983.

Submission:

Broad Center for Mendelian Genomics, Broad Institute of MIT and Harvard
Classification: Likely pathogenic for Bardet-Biedl syndrome 5. Last evaluated: 2018-06-15. Review status: criteria provided, single submitter. Criteria: ACMG Guidelines, 2015. Collection method: research. Allele origin: germline. Inheritance: Autosomal recessive inheritance. Affected: yes.
Comment: This variant was absent from large population studies. The c.386+1G>T variant occurs in the invariant region (+/- 1/2) of the splice consensus sequence and is predicted to cause altered splicing leading to an abnormal or absent protein. Loss of function of the BBS5 gene is an established disease mechanism in autosomal recessive Bardet-Biedl syndrome, and this is a loss of function variant. In summary, although additional studies are required to fully establish its clinical significance, this variant is likely pathogenic.